The following is an entry in ClinVar:

NM_206927.4(SYTL2):c.893del (p.Ser298fs)

Gene: SYTL2 (synaptotagmin like 2; minus strand). Cytogenetic location: 11q14.1.
Variant type: Deletion.
Coding change: c.893del on transcript NM_206927.4 (MANE Select); coding-DNA position 893, one base deleted (G; older notation c.893delG).
Protein change: p.Ser298fs; shifts the reading frame from serine 298.
Molecular consequence: frameshift variant.
Genome position (GRCh38, 1-based): chr11:85,734,436, C deleted on the plus strand (G on the coding strand, the reverse complement: SYTL2 is on the minus strand). VCF-style (leftmost placement, unchanged base first): chr11-85734435-GC-G. GRCh37 (hg19) VCF-style: chr11-85445478-GC-G.
Other names: c.890del, p.Ser297fs (NM_001162951.4, NM_001394447.1, NM_001394455.1 and 8 more transcripts); c.893del, p.Ser298fs (NM_001162953.4, NM_001365826.2, NM_001394448.1 and 4 more transcripts); c.746del, p.Ser249fs (NM_001289608.2, NM_001365827.2, NM_001394466.1); c.812del, p.Ser271fs (NM_001394450.1, NM_001394460.1, NM_001394462.1 and 4 more transcripts); c.809del, p.Ser270fs (NM_001394451.1, NM_001394461.1, NM_001394464.1 and 1 more transcripts); c.668del, p.Ser223fs (NM_001394469.1); short protein forms S249fs, S297fs, S298fs, S223fs, S270fs, S271fs.
Identifiers: ClinVar variation 375385 (VCV000375385.3), dbSNP rs1057519445, ClinGen allele CA16044229.

ClinVar aggregate classification (germline): Uncertain significance (0 of 4 stars; one submission).

Conditions:
Angioedema. Identifiers: MedGen C0002994, MeSH D000799, MONDO:0010481, HP:0100665.

Submission:

Lupski Lab, Baylor-Hopkins CMG, Baylor College of Medicine
Classification: Uncertain significance. Last evaluated: 2020-02-17. Review status: no assertion criteria provided. Collection method: research. Allele origin: de novo. Inheritance: Autosomal dominant inheritance. Affected: yes.
Comment: The gene is a GUS.

Literature cited by the submitters: PubMed 28327206.